The following is an entry in ClinVar:

NM_001098816.3(TENM4):c.1398C>T (p.Phe466=)

Gene: TENM4 (teneurin transmembrane protein 4; minus strand). Cytogenetic location: 11q14.1.
Variant type: single nucleotide variant.
Coding change: c.1398C>T on transcript NM_001098816.3 (MANE Select); coding-DNA position 1398, C replaced by T.
Protein change: p.Phe466=; no amino-acid change (phenylalanine 466 retained).
Molecular consequence: synonymous variant.
Genome position (GRCh38, 1-based): chr11:78,856,036, G>A on the plus strand (C>T on the coding strand, the complement: TENM4 is on the minus strand). VCF-style: chr11-78856036-G-A. GRCh37 (hg19) VCF-style: chr11-78567081-G-A.
Identifiers: ClinVar variation 3035057 (VCV003035057.2), dbSNP rs1858672551, ClinGen allele CA476055371.

ClinVar aggregate classification (germline): Likely benign (0 of 4 stars; one submission).

Conditions:
TENM4-related disorder. Also called: TENM4-related condition.

Allele frequency attached by ClinVar (database versions not stated): TOPMed below 0.00001; gnomAD 0.00001; gnomAD exomes 0.00001.
gnomAD v4.1: 14 of 1,551,614 alleles (0.0009%); highest among the groups gnomAD compares: Non-Finnish European, 0.0012%; no homozygotes.

Submission:

PreventionGenetics, part of Exact Sciences
Classification: Likely benign for TENM4-related condition. Last evaluated: 2019-08-09. Review status: no assertion criteria provided. Collection method: clinical testing. Allele origin: germline.
Comment: This variant is classified as likely benign based on ACMG/AMP sequence variant interpretation guidelines (Richards et al. 2015 PMID: 25741868, with internal and published modifications).